The following is an entry in ClinVar:

NM_000489.6(ATRX):c.1202A>G (p.Asp401Gly)

Gene: ATRX (ATRX chromatin remodeler; minus strand). Cytogenetic location: Xq21.1.
Variant type: single nucleotide variant.
Coding change: c.1202A>G on transcript NM_000489.6 (MANE Select); coding-DNA position 1202, A replaced by G.
Protein change: p.Asp401Gly; replaces aspartic acid 401 with glycine.
Molecular consequence: missense variant.
Genome position (GRCh38, 1-based): chrX:77,684,054, T>C on the plus strand (A>G on the coding strand, the complement: ATRX is on the minus strand). VCF-style: chrX-77684054-T-C. GRCh37 (hg19) VCF-style: chrX-76939546-T-C.
Other names: c.1088A>G, p.Asp363Gly (NM_138270.5); c.1202A>G (NM_000489.3); short protein forms D363G, D401G.
Identifiers: ClinVar variation 1006356 (VCV001006356.7), dbSNP rs2071414010, ClinGen allele CA413719101.

ClinVar aggregate classification (germline): Uncertain significance. Review status: criteria provided, multiple submitters, no conflicts (2 of 4 stars). 2 submissions from 2 submitters: Uncertain significance (2). Last evaluated 2024-11-06.

Conditions:
Alpha thalassemia-X-linked intellectual disability syndrome (ATRX). Also called: ALPHA-THALASSEMIA/MENTAL RETARDATION SYNDROME, X-LINKED; ATR, NONDELETION TYPE; ATR-X syndrome; Alpha thalassemia mental retardation syndrome, nondeletion type, X-linked; XLMR hypotonic face syndrome; X-linked alpha-thalassemia-mental retardation syndrome. Identifiers: Orphanet 847, MedGen C1845055, MONDO:0010519, OMIM 301040.

Allele frequency attached by ClinVar (database versions not stated): TOPMed below 0.00001; gnomAD 0.00001.

Submissions (2):

GeneDx
Classification: Uncertain significance. Last evaluated: 2024-11-06. Review status: criteria provided, single submitter. Criteria: GeneDx Variant Classification Process June 2021. Collection method: clinical testing. Allele origin: germline. Affected: yes.
Comment: Not observed at significant frequency in large population cohorts (gnomAD); In silico analysis supports that this missense variant has a deleterious effect on protein structure/function; Has not been previously published as pathogenic or benign to our knowledge

Labcorp Genetics (formerly Invitae), Labcorp
Classification: Uncertain significance for Alpha thalassemia-X-linked intellectual disability syndrome. Last evaluated: 2021-08-27. Review status: criteria provided, single submitter. Criteria: Invitae Variant Classification Sherloc (09022015). Collection method: clinical testing. Allele origin: germline.
Comment: This sequence change replaces aspartic acid with glycine at codon 401 of the ATRX protein (p.Asp401Gly). The aspartic acid residue is highly conserved and there is a moderate physicochemical difference between aspartic acid and glycine. This variant is not present in population databases (ExAC no frequency). This variant has not been reported in the literature in individuals affected with ATRX-related conditions. Advanced modeling of protein sequence and biophysical properties (such as structural, functional, and spatial information, amino acid conservation, physicochemical variation, residue mobility, and thermodynamic stability) performed at Invitae indicates that this missense variant is expected to disrupt ATRX protein function. Algorithms developed to predict the effect of sequence changes on RNA splicing suggest that this variant may create or strengthen a splice site. In summary, the available evidence is currently insufficient to determine the role of this variant in disease. Therefore, it has been classified as a Variant of Uncertain Significance.